The following is an entry in ClinVar:

ClinVar aggregate classification (germline): Uncertain significance (1 of 4 stars; one submission).

Submission:

Labcorp Genetics (formerly Invitae), Labcorp
Classification: Uncertain significance. Last evaluated: 2022-06-08. Review status: criteria provided, single submitter. Criteria: Invitae Variant Classification Sherloc (09022015). Collection method: clinical testing. Allele origin: germline.
Comment: This sequence change replaces histidine, which is basic and polar, with leucine, which is neutral and non-polar, at codon 435 of the SLC24A1 protein (p.His435Leu). Information on the frequency of this variant in the gnomAD database is not available, as this variant may be reported differently in the database. In summary, the available evidence is currently insufficient to determine the role of this variant in disease. Therefore, it has been classified as a Variant of Uncertain Significance. Algorithms developed to predict the effect of missense changes on protein structure and function are either unavailable or do not agree on the potential impact of this missense change (SIFT: "Not Available"; PolyPhen-2: "Possibly Damaging"; Align-GVGD: "Not Available"). This variant has not been reported in the literature in individuals affected with SLC24A1-related conditions.

NM_004727.3(SLC24A1):c.1304_1305delinsTT (p.His435Leu)

Gene: SLC24A1 (solute carrier family 24 member 1; plus strand). Cytogenetic location: 15q22.31.
Variant type: Indel.
Coding change: c.1304_1305delinsTT on transcript NM_004727.3 (MANE Select); coding-DNA positions 1304 to 1305, AC replaced by TT.
Protein change: p.His435Leu; replaces histidine 435 with leucine.
Molecular consequence: missense variant.
Genome position (GRCh38, 1-based): chr15:65,625,384-65,625,385, AC replaced by TT. VCF-style: chr15-65625384-AC-TT. GRCh37 (hg19) VCF-style: chr15-65917722-AC-TT.
Other names: c.1304_1305delinsTT, p.His435Leu (NM_001301031.1, NM_001301032.1, NM_001301033.2); c.1304_1305delACinsTT, p.His435Leu (NM_001411142.1); short protein forms H435L.
Identifiers: ClinVar variation 2002762 (VCV002002762.4), dbSNP rs2548358589, ClinGen allele CA2580090022.